The following is an entry in ClinVar:

ClinVar aggregate classification (germline): Pathogenic (1 of 4 stars; one submission).

Submission:

Labcorp Genetics (formerly Invitae), Labcorp
Classification: Pathogenic. Last evaluated: 2022-10-05. Review status: criteria provided, single submitter. Criteria: Invitae Variant Classification Sherloc (09022015). Collection method: clinical testing. Allele origin: germline.
Comment: This sequence change creates a premature translational stop signal (p.Asn747Lysfs*2) in the MYO6 gene. It is expected to result in an absent or disrupted protein product. Loss-of-function variants in MYO6 are known to be pathogenic (PMID: 12687499, 18348273, 23767834, 25999546, 30582396). For these reasons, this variant has been classified as Pathogenic. This variant has not been reported in the literature in individuals affected with MYO6-related conditions. This variant is not present in population databases (gnomAD no frequency).

Literature cited by the submitters: PubMed 12687499; PubMed 18348273; PubMed 23767834; PubMed 25999546; PubMed 30582396.

NM_004999.4(MYO6):c.2240dup (p.Asn747fs)

Gene: MYO6 (myosin VI; plus strand). Cytogenetic location: 6q14.1.
Variant type: Duplication.
Coding change: c.2240dup on transcript NM_004999.4 (MANE Select); coding-DNA position 2240, one base duplicated (A; older notation c.2240dupA).
Protein change: p.Asn747fs; shifts the reading frame from asparagine 747.
Molecular consequence: frameshift variant. On other transcripts: non-coding transcript variant (1).
Genome position (GRCh38, 1-based): chr6:75,880,074, A duplicated; the last of 4 consecutive A bases (chr6:75,880,071-75,880,074); duplicating any one gives the same sequence. VCF-style (leftmost placement, unchanged base first): chr6-75880070-G-GA. GRCh37 (hg19) VCF-style: chr6-76589787-G-GA.
Other names: c.2240dup, p.Asn747fs (NM_001368137.1, NM_001368865.1, NM_001368866.1 and 2 more transcripts); c.2225dup, p.Asn742fs (NM_001368138.1); short protein forms N742fs, N747fs.
Identifiers: ClinVar variation 2034241 (VCV002034241.4), dbSNP rs2535495055, ClinGen allele CA2580075923.
Genomic context (GRCh38, chr6:75,880,070, plus strand): 5'-TTGACATTTAACTTTTTAACTTTTATTTTTCAGGCTTTGTTTAAAGCTTTGGGCTTAAAT[G>GA]AAAATGACTACAAGTTTGGGTTAACCAAAGTATTTTTTAGACCTGGCAAGGTAAATATAC-3'